The following is an entry in ClinVar:

ClinVar aggregate classification (germline): Uncertain significance (1 of 4 stars; one submission).

Conditions:
Snijders Blok-Campeau syndrome. Also called: INTELLECTUAL DEVELOPMENTAL DISORDER WITH MACROCEPHALY, SPEECH DELAY, AND DYSMORPHIC FACIES. Identifiers: Orphanet 599082, MedGen C4748701, MONDO:0032600, OMIM 618205.

Submission:

MVZ Medizinische Genetik Mainz
Classification: Uncertain significance for Snijders Blok-Campeau syndrome. Last evaluated: 2021-11-19. Review status: criteria provided, single submitter. Criteria: UK Practice Guidelines For Variant Classification V4 01 2020. Collection method: clinical testing. Allele origin: germline. Inheritance: Autosomal dominant inheritance. Affected: yes. Observed: 1 variant allele.
Comment: ACMG Criteria: PM4, PM2_SUP, PP2, PP3 (ACMG Version 3)

NM_001005273.3(CHD3):c.2129del (p.Pro710fs)

Gene: CHD3 (chromodomain helicase DNA binding protein 3; plus strand). Cytogenetic location: 17p13.1.
Variant type: Deletion.
Coding change: c.2129del on transcript NM_001005273.3 (MANE Select); coding-DNA position 2129, one base deleted (C; older notation c.2129delC).
Protein change: p.Pro710fs; shifts the reading frame from proline 710.
Molecular consequence: frameshift variant.
Genome position (GRCh38, 1-based): chr17:7,898,573, C deleted; the last of 2 consecutive C bases (chr17:7,898,572-7,898,573); deleting either gives the same sequence. VCF-style (leftmost placement, unchanged base first): chr17-7898571-GC-G. GRCh37 (hg19) VCF-style: chr17-7801889-GC-G.
Other names: c.2306del, p.Pro769fs (NM_001005271.3); c.2129del, p.Pro710fs (NM_005852.4); short protein forms P710fs, P769fs.
Identifiers: ClinVar variation 3236245 (VCV003236245.1), dbSNP rs2544905151, ClinGen allele CA2825002664.